The following is an entry in ClinVar:

ClinVar aggregate classification (germline): Benign (1 of 4 stars; one submission).

Conditions:
Hereditary leiomyomatosis and renal cell cancer. Also called: MULTIPLE CUTANEOUS AND UTERINE LEIOMYOMATA 1, WITH OR WITHOUT RENAL CELL CARCINOMA; LEIOMYOMA, MULTIPLE CUTANEOUS; FH tumor predisposition syndrome; Reed syndrome; Multiple cutaneous and uterine leiomyomatosis; Cutaneous leiomyomata with uterine leiomyomata. Identifiers: Orphanet 523, MedGen C1708350, MONDO:0007888, OMIM 150800, HP:0007437. Disease mechanism: loss of function.

Submission:

Myriad Genetics, Inc.
Classification: Benign for Hereditary leiomyomatosis and renal cell cancer. Last evaluated: 2024-10-22. Review status: criteria provided, single submitter. Criteria: Myriad Autosomal Dominant, Autosomal Recessive and X-Linked Classification Criteria (2023). Collection method: clinical testing. Allele origin: unknown.
Comment: This variant is considered benign. This variant is a silent/synonymous amino acid change and it is not expected to impact splicing.

NM_000143.4(FH):c.1527A>T (p.Pro509=)

Gene: FH (fumarate hydratase; minus strand). Cytogenetic location: 1q43.
Variant type: single nucleotide variant.
Coding change: c.1527A>T on transcript NM_000143.4 (MANE Select); coding-DNA position 1527, A replaced by T.
Protein change: p.Pro509=; no amino-acid change (proline 509 retained).
Molecular consequence: synonymous variant.
Genome position (GRCh38, 1-based): chr1:241,497,834, T>A on the plus strand (A>T on the coding strand, the complement: FH is on the minus strand). VCF-style: chr1-241497834-T-A. GRCh37 (hg19) VCF-style: chr1-241661134-T-A.
Identifiers: ClinVar variation 3773085 (VCV003773085.1).